The following is an entry in ClinVar:

NM_001114753.3(ENG):c.-90G>C

Gene: ENG (endoglin; minus strand). Cytogenetic location: 9q34.11.
Variant type: single nucleotide variant.
Coding change: c.-90G>C on transcript NM_001114753.3 (MANE Select); 90 bases upstream of the start codon, G replaced by C.
Molecular consequence: 5 prime UTR variant.
Genome position (GRCh38, 1-based): chr9:127,854,445, C>G on the plus strand (G>C on the coding strand, the complement: ENG is on the minus strand). VCF-style: chr9-127854445-C-G. GRCh37 (hg19) VCF-style: chr9-130616724-C-G.
Other names: c.-90G>C (NM_000118.4, NM_001406715.1).
Identifiers: ClinVar variation 912363 (VCV000912363.7), dbSNP rs768083796, ClinGen allele CA200326817.

ClinVar aggregate classification (germline): Uncertain significance. Review status: criteria provided, multiple submitters, no conflicts (2 of 4 stars). 2 submissions from 2 submitters: Uncertain significance (2). Last evaluated 2022-08-07.

Conditions:
Hereditary hemorrhagic telangiectasia (HHT). Also called: ORW DISEASE; Osler Weber Rendu syndrome; OSLER-RENDU-WEBER DISEASE; Osler hemorrhagic telangiectasia syndrome. Identifiers: Orphanet 774, MedGen C0039445, MONDO:0019180. Disease mechanism: loss of function.
Telangiectasia, hereditary hemorrhagic, type 1 (HHT1). Also called: Osler Weber Rendu syndrome type 1; ENG-Related Hereditary Hemorrhagic Telangiectasia. Identifiers: Orphanet 774, MedGen C4551861, MONDO:0008535, OMIM 187300. Disease mechanism: loss of function.

Allele frequency attached by ClinVar (database versions not stated): TOPMed 0.00007.

Submissions (2):

Labcorp Genetics (formerly Invitae), Labcorp
Classification: Uncertain significance for Hereditary hemorrhagic telangiectasia. Last evaluated: 2022-08-07. Review status: criteria provided, single submitter. Criteria: Invitae Variant Classification Sherloc (09022015). Collection method: clinical testing. Allele origin: germline.
Comment: This variant occurs in a non-coding region of the ENG gene. It does not change the encoded amino acid sequence of the ENG protein. This variant is present in population databases (rs768083796, gnomAD 0.01%). This variant has not been reported in the literature in individuals affected with ENG-related conditions. ClinVar contains an entry for this variant (Variation ID: 912363). Experimental studies and prediction algorithms are not available or were not evaluated, and the functional significance of this variant is currently unknown. In summary, the available evidence is currently insufficient to determine the role of this variant in disease. Therefore, it has been classified as a Variant of Uncertain Significance.

Illumina Laboratory Services, Illumina
Classification: Uncertain significance for Telangiectasia, hereditary hemorrhagic, type 1. Last evaluated: 2018-01-13. Review status: criteria provided, single submitter. Criteria: ICSL Variant Classification Criteria 13 December 2019. Collection method: clinical testing. Allele origin: germline.